The following is an entry in ClinVar:

ClinVar aggregate classification (germline): Conflicting classifications of pathogenicity. Review status: criteria provided, conflicting classifications (1 of 4 stars). 7 submissions from 7 submitters: Likely pathogenic (3); Uncertain significance (2). 2 of the submissions do not count toward it. Last evaluated 2026-07-22.

Conditions:
PKHD1-related disorder. Also called: PKHD1-related condition.
Renal cyst. Also called: cystic kidneys; Cystic kidney disease; Renal cysts. Identifiers: MedGen C3887499, MONDO:0002473, HP:0000107.
Autosomal recessive polycystic kidney disease (ARPKD). Also called: AR polycystic kidney disease. Identifiers: Orphanet 731, Orphanet 8378, MedGen C0085548, MeSH D017044, MONDO:0009889.
Polycystic kidney disease 4 (PKD4). Also called: Autosomal Recessive Polycystic Kidney Disease – PKHD1; PKD3; POLYCYSTIC KIDNEY DISEASE 4 WITH OR WITHOUT POLYCYSTIC LIVER DISEASE; POLYCYSTIC KIDNEY AND HEPATIC DISEASE 1; POLYCYSTIC KIDNEY DISEASE, INFANTILE, TYPE I. Identifiers: MedGen C4540575, MONDO:0033004, OMIM 263200.

Allele frequency attached by ClinVar (database versions not stated): ExAC 0.00005; gnomAD 0.00005 and 0.00006; gnomAD exomes 0.00005; TOPMed 0.00006.
gnomAD v4.1: 79 of 1,614,034 alleles (0.0049%); highest among the groups gnomAD compares: Middle Eastern, 0.016%; no homozygotes.

Submissions (7):

PreventionGenetics, part of Exact Sciences
Classification: Uncertain significance for PKHD1-related condition. Last evaluated: 2026-07-22. Review status: criteria provided, single submitter. Criteria: ACMG Guidelines, 2015. Collection method: clinical testing. Allele origin: germline.
Comment: The PKHD1 c.5129C>T variant is predicted to result in the amino acid substitution p.Pro1710Leu. This variant has been reported in an individual with autosomal recessive polycystic kidney disease (Melchionda et al 2016. PubMed ID: 27225849). This variant is reported in 0.0080% of alleles in individuals of African descent in gnomAD. Although we suspect that this variant may be pathogenic, at this time, the clinical significance of this variant is uncertain due to the absence of conclusive functional and genetic evidence.

GeneDx
Classification: Likely pathogenic. Last evaluated: 2025-08-13. Review status: criteria provided, single submitter. Criteria: GeneDx Variant Classification Process June 2021. Collection method: clinical testing. Allele origin: germline.
Comment: Reported in a cohort of patients with polycystic kidney disease in published literaure (PMID: 27225849); Not observed at significant frequency in large population cohorts (gnomAD); In silico analysis supports that this missense variant has a deleterious effect on protein structure/function; This variant is associated with the following publications: (PMID: 27225849)

Women's Health and Genetics/Laboratory Corporation of America, LabCorp
Classification: Uncertain significance. Last evaluated: 2025-05-27. Review status: criteria provided, single submitter. Criteria: LabCorp Variant Classification Summary - May 2015. Collection method: clinical testing. Allele origin: germline.
Comment: Variant summary: PKHD1 c.5129C>T (p.Pro1710Leu) results in a non-conservative amino acid change in the encoded protein sequence. Algorithms developed to predict the effect of missense changes on protein structure and function all suggest that this variant is likely to be disruptive. The variant allele was found at a frequency of 5.2e-05 in 251316 control chromosomes. This frequency is not significantly higher than estimated for a pathogenic variant in PKHD1 causing Polycystic Kidney And Hepatic Disease (5.2e-05 vs 0.0071), allowing no conclusion about variant significance. c.5129C>T has been observed in a compound heterozygous individual affected with Polycystic Kidney And Hepatic Disease (Melchionda_2016). These data do not allow any conclusion about variant significance. To our knowledge, no experimental evidence demonstrating an impact on protein function has been reported. The following publication has been ascertained in the context of this evaluation (PMID: 27225849). ClinVar contains an entry for this variant (Variation ID: 550835). Based on the evidence outlined above, the variant was classified as uncertain significance.

Labcorp Genetics (formerly Invitae), Labcorp
Classification: Likely pathogenic for Autosomal recessive polycystic kidney disease. Last evaluated: 2024-02-20. Review status: criteria provided, single submitter. Criteria: Invitae Variant Classification Sherloc (09022015). Collection method: clinical testing. Allele origin: germline.
Comment: This sequence change replaces proline, which is neutral and non-polar, with leucine, which is neutral and non-polar, at codon 1710 of the PKHD1 protein (p.Pro1710Leu). This variant is present in population databases (rs749294509, gnomAD 0.007%). This missense change has been observed in individual(s) with polycystic kidney disease (PMID: 27225849). In at least one individual the data is consistent with being in trans (on the opposite chromosome) from a pathogenic variant. ClinVar contains an entry for this variant (Variation ID: 550835). Advanced modeling of protein sequence and biophysical properties (such as structural, functional, and spatial information, amino acid conservation, physicochemical variation, residue mobility, and thermodynamic stability) performed at Invitae indicates that this missense variant is expected to disrupt PKHD1 protein function with a positive predictive value of 95%. In summary, the currently available evidence indicates that the variant is pathogenic, but additional data are needed to prove that conclusively. Therefore, this variant has been classified as Likely Pathogenic.

Equipe Genetique des Anomalies du Developpement, Université de Bourgogne
Classification: Likely pathogenic for Renal cyst. Review status: criteria provided, single submitter. Criteria: ACMG Guidelines, 2015. Collection method: clinical testing. Allele origin: maternal. Affected: yes.

Natera, Inc.
Classification: Uncertain significance for Autosomal recessive polycystic kidney disease. Last evaluated: 2020-09-16. Review status: no assertion criteria provided. Collection method: clinical testing. Allele origin: germline. Not counted in ClinVar's aggregate classification.

Counsyl
Classification: Uncertain significance for Polycystic kidney disease 4. Last evaluated: 2017-02-23. Review status: no assertion criteria provided. Collection method: clinical testing. Allele origin: unknown. Not counted in ClinVar's aggregate classification.

Literature cited by the submitters: PubMed 27225849 (cited by 3 submitters).

NM_138694.4(PKHD1):c.5129C>T (p.Pro1710Leu)

Genes: PKHD1 (PKHD1 ciliary IPT domain containing fibrocystin/polyductin; minus strand), LOC126859690 (MED14-independent group 3 enhancer GRCh37_chr6:51888848-51890047; plus strand). Cytogenetic location: 6p12.2.
Variant type: single nucleotide variant.
Coding change: c.5129C>T on transcript NM_138694.4 (MANE Select); coding-DNA position 5129, C replaced by T.
Protein change: p.Pro1710Leu; replaces proline 1710 with leucine.
Molecular consequence: missense variant.
Genome position (GRCh38, 1-based): chr6:52,024,681, G>A on the plus strand (C>T on the coding strand, the complement: PKHD1 is on the minus strand). VCF-style: chr6-52024681-G-A. GRCh37 (hg19) VCF-style: chr6-51889479-G-A.
Other names: c.5129C>T, p.Pro1710Leu (NM_170724.3); short protein forms P1710L.
Identifiers: ClinVar variation 550835 (VCV000550835.14), dbSNP rs749294509, ClinGen allele CA3852607.